The following is an entry in ClinVar:

NM_000944.5(PPP3CA):c.1532_1540dup (p.Asn513_Gly514insAspSerAsn)

Gene: PPP3CA (protein phosphatase 3 catalytic subunit alpha; minus strand). Cytogenetic location: 4q24.
Variant type: Duplication.
Coding change: c.1532_1540dup on transcript NM_000944.5 (MANE Select); coding-DNA positions 1532 to 1540, 9 bases duplicated (ACAGCAATG; older notation c.1532_1540dupACAGCAATG).
Protein change: p.Asn513_Gly514insAspSerAsn.
Molecular consequence: inframe insertion.
Genome position (GRCh38, 1-based): chr4:101,025,891-101,025,899, CATTGCTGT duplicated on the plus strand (ACAGCAATG on the coding strand, the reverse complement: PPP3CA is on the minus strand); duplicating any 9 consecutive bases within chr4:101,025,891-101,025,900 gives the same sequence; the c. name uses the placement nearest the transcript's 3' end. VCF-style (leftmost placement, unchanged base first): chr4-101025890-C-CCATTGCTGT. GRCh37 (hg19) VCF-style: chr4-101947047-C-CCATTGCTGT.
Other names: c.1502_1510dup, p.Asn503_Gly504insAspSerAsn (NM_001130691.2); c.1376_1384dup, p.Asn461_Gly462insAspSerAsn (NM_001130692.2); c.1532_1540dup (NM_000944.4).
Identifiers: ClinVar variation 2108966 (VCV002108966.5), dbSNP rs2476197041, ClinGen allele CA2580071235.

ClinVar aggregate classification (germline): Uncertain significance. Review status: criteria provided, multiple submitters, no conflicts (2 of 4 stars). 2 submissions from 2 submitters: Uncertain significance (2). Last evaluated 2026-03-24.

Submissions (2):

GeneDx
Classification: Uncertain significance. Last evaluated: 2026-03-24. Review status: criteria provided, single submitter. Criteria: GeneDx Variant Classification Process June 2021. Collection method: clinical testing. Allele origin: germline.
Comment: Not observed at significant frequency in large population cohorts (gnomAD); In-frame duplication of 3 amino acid(s) in a non-repeat region; Has not been previously published as pathogenic or benign to our knowledge

Labcorp Genetics (formerly Invitae), Labcorp
Classification: Uncertain significance. Last evaluated: 2022-03-11. Review status: criteria provided, single submitter. Criteria: Invitae Variant Classification Sherloc (09022015). Collection method: clinical testing. Allele origin: germline.
Comment: This variant has not been reported in the literature in individuals affected with PPP3CA-related conditions. This variant is not present in population databases (gnomAD no frequency). This variant, c.1532_1540dup, results in the insertion of 3 amino acid(s) of the PPP3CA protein (p.Asp511_Asn513dup), but otherwise preserves the integrity of the reading frame. In summary, the available evidence is currently insufficient to determine the role of this variant in disease. Therefore, it has been classified as a Variant of Uncertain Significance.